The following is an entry in ClinVar:

ClinVar aggregate classification (germline): Pathogenic (1 of 4 stars; one submission).

Conditions:
Hereditary cancer-predisposing syndrome. Also called: Hereditary Cancer Syndrome; Hereditary neoplastic syndrome; Tumor predisposition; Neoplastic Syndromes, Hereditary. Identifiers: Orphanet 140162, MedGen C0027672, MeSH D009386, MONDO:0015356.

Submission:

Labcorp Genetics (formerly Invitae), Labcorp
Classification: Pathogenic for Hereditary cancer-predisposing syndrome. Last evaluated: 2021-09-29. Review status: criteria provided, single submitter. Criteria: Invitae Variant Classification Sherloc (09022015). Collection method: clinical testing. Allele origin: germline.
Comment: For these reasons, this variant has been classified as Pathogenic. This variant has not been reported in the literature in individuals with RAD50-related conditions. This variant is not present in population databases (ExAC no frequency). This sequence change creates a premature translational stop signal (p.Lys204*) in the RAD50 gene. It is expected to result in an absent or disrupted protein product. Loss-of-function variants in RAD50 are known to be pathogenic (PMID: 16385572, 19409520).

Literature cited by the submitters: PubMed 16385572; PubMed 19409520.

NM_005732.4(RAD50):c.610A>T (p.Lys204Ter)

Gene: RAD50 (RAD50 double strand break repair protein; plus strand). Cytogenetic location: 5q31.1.
Variant type: single nucleotide variant.
Coding change: c.610A>T on transcript NM_005732.4 (MANE Select); coding-DNA position 610, A replaced by T.
Protein change: p.Lys204Ter; replaces lysine 204 with a stop codon.
Molecular consequence: nonsense.
Genome position (GRCh38, 1-based): chr5:132,579,920, A>T. VCF-style: chr5-132579920-A-T. GRCh37 (hg19) VCF-style: chr5-131915612-A-T.
Other names: short protein forms K204*.
Identifiers: ClinVar variation 1401902 (VCV001401902.6), dbSNP rs202197835, ClinGen allele CA127237831.